The following is an entry in ClinVar:

NM_001110556.2(FLNA):c.7421T>C (p.Met2474Thr)

Gene: FLNA (filamin A; minus strand). Cytogenetic location: Xq28.
Variant type: single nucleotide variant.
Coding change: c.7421T>C on transcript NM_001110556.2 (MANE Select); coding-DNA position 7421, T replaced by C.
Protein change: p.Met2474Thr; replaces methionine 2474 with threonine.
Molecular consequence: missense variant.
Genome position (GRCh38, 1-based): chrX:154,349,780, A>G on the plus strand (T>C on the coding strand, the complement: FLNA is on the minus strand). VCF-style: chrX-154349780-A-G. GRCh37 (hg19) VCF-style: chrX-153578148-A-G.
Other names: c.7397T>C, p.Met2466Thr (NM_001456.4); short protein forms M2466T, M2474T.
Identifiers: ClinVar variation 5021914 (VCV005021914.1).

ClinVar aggregate classification (germline): Uncertain significance (1 of 4 stars; one submission).

Conditions:
Familial thoracic aortic aneurysm and aortic dissection (TAAD). Also called: Thoracic aortic aneurysms and dissections. Identifiers: Orphanet 91387, MedGen C4707243, MONDO:0019625.

Submission:

Ambry Genetics
Classification: Uncertain significance for Familial thoracic aortic aneurysm and aortic dissection. Last evaluated: 2026-08-08. Review status: criteria provided, single submitter. Criteria: Ambry Variant Classification Scheme 2023. Collection method: clinical testing. Allele origin: germline.
Comment: The p.M2466T variant (also known as c.7397T>C), located in coding exon 44 of the FLNA gene, results from a T to C substitution at nucleotide position 7397. The methionine at codon 2466 is replaced by threonine, an amino acid with similar properties. This amino acid position is conserved. In addition, the in silico prediction for this alteration is inconclusive. Based on the available evidence, the clinical significance of this variant remains unclear.